The following is an entry in ClinVar:

NM_000138.5(FBN1):c.821C>A (p.Pro274His)

Gene: FBN1 (fibrillin 1; minus strand). Cytogenetic location: 15q21.1.
Variant type: single nucleotide variant.
Coding change: c.821C>A on transcript NM_000138.5 (MANE Select); coding-DNA position 821, C replaced by A.
Protein change: p.Pro274His; replaces proline 274 with histidine.
Molecular consequence: missense variant.
Genome position (GRCh38, 1-based): chr15:48,534,121, G>T on the plus strand (C>A on the coding strand, the complement: FBN1 is on the minus strand). VCF-style: chr15-48534121-G-T. GRCh37 (hg19) VCF-style: chr15-48826318-G-T.
Other names: short protein forms P274H.
Identifiers: ClinVar variation 426283 (VCV000426283.24), dbSNP rs1085307537, ClinGen allele CA392352445.

ClinVar aggregate classification (germline): Conflicting classifications of pathogenicity. Review status: criteria provided, conflicting classifications (1 of 4 stars). 7 submissions from 7 submitters: Pathogenic (1); Likely pathogenic (1); Uncertain significance (5). Last evaluated 2026-01-27.

Conditions:
Weill-Marchesani syndrome 2, dominant. Also called: FBN1-Related Weill-Marchesani Syndrome; Weill-Marchesani Syndrome, Autosomal Dominant. Identifiers: Orphanet 2084, MedGen C1869115, MONDO:0012013, OMIM 608328.
Ectopia lentis 1, isolated, autosomal dominant (ECTOL1). Identifiers: Orphanet 1885, MedGen C3541518, MONDO:0007514, OMIM 129600.
Marfan syndrome (MFS). Also called: MARFAN SYNDROME, TYPE I; FBN1-Related Marfan Syndrome; Marfan syndrome type 1; Marfan's syndrome; Marfan syndrome, classic. Identifiers: Orphanet 284963, Orphanet 558, MedGen C0024796, MONDO:0007947, OMIM 154700.
Stiff skin syndrome (SSKS). Identifiers: Orphanet 2833, MedGen C1861456, MONDO:0008492, OMIM 184900.
Acromicric dysplasia (ACMICD). Also called: Acromicric skeletal dysplasia. Identifiers: Orphanet 969, MedGen C0265287, MONDO:0007055, OMIM 102370.
Progeroid and marfanoid aspect-lipodystrophy syndrome. Also called: MARFANOID-PROGEROID SYNDROME; MARFAN-PROGEROID-LIPODYSTROPHY SYNDROME; Marfan lipodystrophy syndrome; MARFANOID-PROGEROID-LIPODYSTROPHY SYNDROME. Identifiers: Orphanet 300382, MedGen C4310796, MONDO:0014831, OMIM 616914.
MASS syndrome (OCTD). Also called: MASS PHENOTYPE; OVERLAP CONNECTIVE TISSUE DISEASE. Identifiers: MedGen C1858556, MONDO:0011431, OMIM 604308.
Geleophysic dysplasia 2 (GPHYSD2). Identifiers: Orphanet 2623, MedGen C3280054, MONDO:0013612, OMIM 614185.
Familial thoracic aortic aneurysm and aortic dissection (TAAD). Also called: Thoracic aortic aneurysms and dissections. Identifiers: Orphanet 91387, MedGen C4707243, MONDO:0019625.

Allele frequency attached by ClinVar (database versions not stated): gnomAD exomes 0.00001 and below 0.00001.
gnomAD v4.1: 9 of 1,613,510 alleles (0.00056%); highest among the groups gnomAD compares: Non-Finnish European, 0.00076%; no homozygotes.

Submissions (7):

Labcorp Genetics (formerly Invitae), Labcorp
Classification: Pathogenic for Marfan syndrome; Familial thoracic aortic aneurysm and aortic dissection. Last evaluated: 2026-01-27. Review status: criteria provided, single submitter. Criteria: Invitae Variant Classification Sherloc (09022015). Collection method: clinical testing. Allele origin: germline.
Comment: This sequence change replaces proline, which is neutral and non-polar, with histidine, which is basic and polar, at codon 274 of the FBN1 protein (p.Pro274His). This variant is present in population databases (no rsID available, gnomAD 0.0009%). This missense change has been observed in individuals with FBN1-related conditions (PMID: 32679894; internal data). ClinVar contains an entry for this variant (Variation ID: 426283). Invitae Evidence Modeling of protein sequence and biophysical properties (such as structural, functional, and spatial information, amino acid conservation, physicochemical variation, residue mobility, and thermodynamic stability) indicates that this missense variant is expected to disrupt FBN1 protein function with a positive predictive value of 95%. For these reasons, this variant has been classified as Pathogenic.

Ambry Genetics
Classification: Uncertain significance for Familial thoracic aortic aneurysm and aortic dissection. Last evaluated: 2025-09-16. Review status: criteria provided, single submitter. Criteria: Ambry Variant Classification Scheme 2023. Collection method: clinical testing. Allele origin: germline.
Comment: The p.P274H variant (also known as c.821C>A), located in coding exon 7 of the FBN1 gene, results from a C to A substitution at nucleotide position 821. The proline at codon 274 is replaced by histidine, an amino acid with similar properties. This amino acid position is highly conserved in available vertebrate species. In addition, the in silico prediction for this alteration is inconclusive. Based on the available evidence, the clinical significance of this variant remains unclear.

Color Diagnostics, LLC DBA Color Health
Classification: Uncertain significance for Familial thoracic aortic aneurysm and aortic dissection. Last evaluated: 2025-07-15. Review status: criteria provided, single submitter. Criteria: ACMG Guidelines, 2015. Collection method: clinical testing. Allele origin: germline.
Comment: This missense variant replaces proline with histidine at codon 274 of the FBN1 protein. Computational prediction suggests that this variant may have a deleterious impact on protein structure and function. To our knowledge, functional studies have not been reported for this variant. This variant has been reported in an individual affected with Marfan syndrome (PMID: 32679894). This variant has been identified in 1/251478 chromosomes in the general population by the Genome Aggregation Database (gnomAD). The available evidence is insufficient to determine the role of this variant in disease conclusively. Therefore, this variant is classified as a Variant of Uncertain Significance.

Institute of Human Genetics Munich, TUM University Hospital
Classification: Likely pathogenic for Marfan syndrome. Last evaluated: 2024-10-22. Review status: criteria provided, single submitter. Criteria: Classification criteria August 2017. Collection method: clinical testing. Allele origin: germline. Inheritance: Autosomal dominant inheritance. Affected: yes. Observed: 1 variant allele.

All of Us Research Program, National Institutes of Health
Classification: Uncertain significance for Marfan syndrome. Last evaluated: 2023-12-01. Review status: criteria provided, single submitter. Criteria: ACMG Guidelines, 2015. Collection method: clinical testing. Allele origin: germline. Inheritance: Autosomal dominant inheritance. Observed: 7 variant alleles, 7 heterozygotes.
Comment: This missense variant replaces proline with histidine at codon 274 of the FBN1 protein. Computational prediction suggests that this variant may have deleterious impact on protein structure and function (internally defined REVEL score threshold >= 0.7, PMID: 27666373). To our knowledge, functional studies have not been reported for this variant. This variant has not been reported in individuals affected with cardiovascular disorders in the literature. This variant has been identified in 1/251478 chromosomes in the general population by the Genome Aggregation Database (gnomAD). The available evidence is insufficient to determine the role of this variant in disease conclusively. Therefore, this variant is classified as a Variant of Uncertain Significance.

This study involves interpretation of variants in research participants for the purpose of population health screening. Participant phenotype was not available at the time of variant classification. Additional details can be found in publication PMID: 35346344, PMCID: PMC8962531

GeneDx
Classification: Uncertain significance. Last evaluated: 2022-12-12. Review status: criteria provided, single submitter. Criteria: GeneDx Variant Classification Process June 2021. Collection method: clinical testing. Allele origin: germline. Affected: yes.
Comment: Not observed at a significant frequency in large population cohorts (gnomAD); In silico analysis, which includes protein predictors and evolutionary conservation, supports a deleterious effect; Although located in a calcium-binding EGF-like domain of the FBN1 gene, it does not affect a cysteine residue within this domain; cysteine substitutions in the calcium-binding EGF-like domains represent the majority of pathogenic missense changes associated with FBN1-related disorders (Collod-Beroud et al., 2003).; This variant is associated with the following publications: (PMID: 32679894)

Fulgent Genetics
Classification: Uncertain significance for Acromicric dysplasia; Ectopia lentis 1, isolated, autosomal dominant; Marfan syndrome; Stiff skin syndrome; MASS syndrome; Weill-Marchesani syndrome 2, dominant; Geleophysic dysplasia 2; Progeroid and marfanoid aspect-lipodystrophy syndrome. Last evaluated: 2021-11-10. Review status: criteria provided, single submitter. Criteria: ACMG Guidelines, 2015. Collection method: clinical testing. Allele origin: unknown.

Literature cited by the submitters: PubMed 32679894 (cited by 3 submitters).